The following is an entry in ClinVar:

NC_000015.10:g.84817319_84817331dup

Gene: ALPK3 (alpha kinase 3; plus strand). Cytogenetic location: 15q25.3.
Variant type: Duplication.
Genome position: GRCh38 VCF-style: chr15-84817318-C-CCACCGGCTATAAA. GRCh37 (hg19) VCF-style: chr15-85360549-C-CCACCGGCTATAAA.
Identifiers: ClinVar variation 2061734 (VCV002061734.4), dbSNP rs2505688824, ClinGen allele CA2580090105.

ClinVar aggregate classification (germline): Uncertain significance (1 of 4 stars; one submission).

Submission:

Labcorp Genetics (formerly Invitae), Labcorp
Classification: Uncertain significance. Last evaluated: 2021-12-27. Review status: criteria provided, single submitter. Criteria: Invitae Variant Classification Sherloc (09022015). Collection method: clinical testing. Allele origin: germline.
Comment: In summary, the available evidence is currently insufficient to determine the role of this variant in disease. Therefore, it has been classified as a Variant of Uncertain Significance. This variant has not been reported in the literature in individuals affected with ALPK3-related conditions. This variant is not present in population databases (gnomAD no frequency). This sequence change creates a premature translational stop signal (p.Arg163Thrfs*5) in the ALPK3 gene. It is unclear whether it will result in an absent or disrupted protein product because an in-frame methionine located at codon 203 has the potential to rescue this truncating variant.